The following is an entry in ClinVar:

ClinVar aggregate classification (germline): Uncertain significance (1 of 4 stars; one submission).

Conditions:
Dyskeratosis congenita. Identifiers: Orphanet 1775, MedGen C0265965, MONDO:0015780.

gnomAD v4.1: 3 of 1,611,958 alleles (0.00019%); highest among the groups gnomAD compares: Admixed American, 0.0033%; no homozygotes.

Submission:

Labcorp Genetics (formerly Invitae), Labcorp
Classification: Uncertain significance for Dyskeratosis congenita. Last evaluated: 2022-12-13. Review status: criteria provided, single submitter. Criteria: Invitae Variant Classification Sherloc (09022015). Collection method: clinical testing. Allele origin: germline.
Comment: This sequence change falls in intron 3 of the CTC1 gene. It does not directly change the encoded amino acid sequence of the CTC1 protein. It affects a nucleotide within the consensus splice site. This variant is present in population databases (rs6503093, gnomAD 0.006%). This variant has not been reported in the literature in individuals affected with CTC1-related conditions. ClinVar contains an entry for this variant (Variation ID: 1039622). Variants that disrupt the consensus splice site are a relatively common cause of aberrant splicing (PMID: 17576681, 9536098). Algorithms developed to predict the effect of sequence changes on RNA splicing suggest that this variant may disrupt the consensus splice site. In summary, the available evidence is currently insufficient to determine the role of this variant in disease. Therefore, it has been classified as a Variant of Uncertain Significance.

Literature cited by the submitters: PubMed 17576681; PubMed 9536098.

NM_025099.6(CTC1):c.435+3G>T

Gene: CTC1 (CST telomere replication complex component 1; minus strand). Cytogenetic location: 17p13.1.
Variant type: single nucleotide variant.
Coding change: c.435+3G>T on transcript NM_025099.6 (MANE Select); 3 bases into the intron after coding-DNA position 435, G replaced by T.
Molecular consequence: intron variant.
Genome position (GRCh38, 1-based): chr17:8,238,389, C>A on the plus strand (G>T on the coding strand, the complement: CTC1 is on the minus strand). VCF-style: chr17-8238389-C-A. GRCh37 (hg19) VCF-style: chr17-8141707-T-A.
Identifiers: ClinVar variation 1039622 (VCV001039622.6), dbSNP rs6503093, ClinGen allele CA8372635.